The following is an entry in ClinVar:

NM_021975.4(RELA):c.678_679del (p.Tyr227fs)

Gene: RELA (RELA proto-oncogene, NF-kB subunit; minus strand). Cytogenetic location: 11q13.1.
Variant type: Microsatellite.
Coding change: c.678_679del on transcript NM_021975.4 (MANE Select); coding-DNA positions 678 to 679, 2 bases deleted (GT; older notation c.678_679delGT).
Protein change: p.Tyr227fs; shifts the reading frame from tyrosine 227.
Molecular consequence: frameshift variant.
Genome position (GRCh38, 1-based): chr11:65,658,485-65,658,486, AC deleted on the plus strand (GT on the coding strand, the reverse complement: RELA is on the minus strand); deleting any 2 consecutive bases within chr11:65,658,485-65,658,488 gives the same sequence; the c. name uses the placement nearest the transcript's 3' end. VCF-style (leftmost placement, unchanged base first): chr11-65658484-TAC-T. GRCh37 (hg19) VCF-style: chr11-65425955-TAC-T.
Other names: c.669_670del, p.Tyr224fs (NM_001145138.2); c.678_679del, p.Tyr227fs (NM_001243984.2, NM_001243985.2); c.709_710GT[1], p.Tyr238Phefs (NM_001404657.1); c.649_650GT[1], p.Tyr218Phefs (NM_001404658.1); c.295_296GT[1], p.Tyr100Phefs (NM_001404661.1); c.583_584GT[1], p.Tyr196Phefs (NM_001404662.1, NM_001404663.1); short protein forms Y224fs, Y227fs.
Identifiers: ClinVar variation 2026108 (VCV002026108.4), dbSNP rs2496847338, ClinGen allele CA2580615730.

ClinVar aggregate classification (germline): Pathogenic (1 of 4 stars; one submission).

Submission:

Labcorp Genetics (formerly Invitae), Labcorp
Classification: Pathogenic. Last evaluated: 2022-08-22. Review status: criteria provided, single submitter. Criteria: Invitae Variant Classification Sherloc (09022015). Collection method: clinical testing. Allele origin: germline.
Comment: For these reasons, this variant has been classified as Pathogenic. This variant has not been reported in the literature in individuals affected with RELA-related conditions. This variant is not present in population databases (gnomAD no frequency). This sequence change creates a premature translational stop signal (p.Tyr227Phefs*16) in the RELA gene. It is expected to result in an absent or disrupted protein product. Loss-of-function variants in RELA are known to be pathogenic (PMID: 28600438).

Literature cited by the submitters: PubMed 28600438.